The following is an entry in ClinVar:

NM_003661.4(APOL1):c.314+21T>C

Gene: APOL1 (apolipoprotein L1; plus strand). Cytogenetic location: 22q12.3.
Variant type: single nucleotide variant.
Coding change: c.314+21T>C on transcript NM_003661.4 (MANE Select); 21 bases into the intron after coding-DNA position 314, T replaced by C.
Molecular consequence: intron variant.
Genome position (GRCh38, 1-based): chr22:36,261,743, T>C. VCF-style: chr22-36261743-T-C. GRCh37 (hg19) VCF-style: chr22-36657789-T-C.
Other names: c.362+21T>C (NM_145343.3); c.314+21T>C (NM_001136540.2, NM_003661.3); c.260+21T>C (NM_001362927.2, NM_001136541.2).
Identifiers: ClinVar variation 1228848 (VCV001228848.8), dbSNP rs136164, ClinGen allele CA10208623.

ClinVar aggregate classification (germline): Benign. Review status: criteria provided, multiple submitters, no conflicts (2 of 4 stars). 4 submissions from 4 submitters: Benign (3). 1 of the submissions does not count toward it. Last evaluated 2024-07-15.

Conditions:
APOL1-related disorder. Also called: APOL1-related condition.

Allele frequency attached by ClinVar (database versions not stated): ESP Exome Variant Server 0.58035; gnomAD 0.60497 and 0.61024; TOPMed 0.61270; ExAC 0.64582; 1000 Genomes Project 30x 0.66271; 1000 Genomes Project 0.66514.
gnomAD v4.1: 992,081 of 1,609,476 alleles (62%); highest among the groups gnomAD compares: East Asian, 82%; 308,187 homozygotes.

Submissions (4):

Unidad de Genómica Garrahan, Hospital de Pediatría Garrahan
Classification: Benign. Last evaluated: 2024-07-15. Review status: criteria provided, single submitter. Criteria: ACMG Guidelines, 2015. Collection method: clinical testing. Allele origin: germline. Affected: no. Observed: 89 variant alleles.
Comment: This variant is classified as Benign based on local population frequency. This variant was detected in 96% of patients studied in a panel designed for Epileptic and Developmental Encephalopathy and Progressive Myoclonus Epilepsy. Number of patients: 89. Only high quality variants are reported.

GeneDx
Classification: Benign. Last evaluated: 2018-11-10. Review status: criteria provided, single submitter. Criteria: GeneDx Variant Classification Process June 2021. Collection method: clinical testing. Allele origin: germline. Affected: yes.

Breakthrough Genomics
Classification: Benign. Review status: criteria provided, single submitter. Criteria: ACMG Guidelines, 2015. Collection method: not provided. Allele origin: germline. Inheritance: Unknown mechanism. Affected: yes.

PreventionGenetics, part of Exact Sciences
Classification: Benign for APOL1-related condition. Last evaluated: 2023-07-17. Review status: no assertion criteria provided. Collection method: clinical testing. Allele origin: germline. Not counted in ClinVar's aggregate classification.
Comment: This variant is classified as benign based on ACMG/AMP sequence variant interpretation guidelines (Richards et al. 2015 PMID: 25741868, with internal and published modifications).